The following is an entry in ClinVar:

ClinVar aggregate classification (germline): Uncertain significance (1 of 4 stars; one submission).

Allele frequency attached by ClinVar (database versions not stated): ExAC 0.00001; TOPMed 0.00003; gnomAD exomes below 0.00001; gnomAD 0.00002.

Submission:

Labcorp Genetics (formerly Invitae), Labcorp
Classification: Uncertain significance. Last evaluated: 2025-04-29. Review status: criteria provided, single submitter. Criteria: Invitae Variant Classification Sherloc (09022015). Collection method: clinical testing. Allele origin: germline.
Comment: This sequence change replaces phenylalanine, which is neutral and non-polar, with leucine, which is neutral and non-polar, at codon 868 of the MICAL1 protein (p.Phe868Leu). This variant is present in population databases (rs752743666, gnomAD 0.007%). This variant has not been reported in the literature in individuals affected with MICAL1-related conditions. ClinVar contains an entry for this variant (Variation ID: 2984948). An algorithm developed to predict the effect of missense changes on protein structure and function (PolyPhen-2) suggests that this variant is likely to be disruptive. In summary, the available evidence is currently insufficient to determine the role of this variant in disease. Therefore, it has been classified as a Variant of Uncertain Significance.

NM_022765.4(MICAL1):c.2547T>G (p.Phe849Leu)

Gene: MICAL1 (microtubule associated monooxygenase, calponin and LIM domain containing 1; minus strand). Cytogenetic location: 6q21.
Variant type: single nucleotide variant.
Coding change: c.2547T>G on transcript NM_022765.4 (MANE Select); coding-DNA position 2547, T replaced by G.
Protein change: p.Phe849Leu; replaces phenylalanine 849 with leucine.
Molecular consequence: missense variant.
Genome position (GRCh38, 1-based): chr6:109,446,170, A>C on the plus strand (T>G on the coding strand, the complement: MICAL1 is on the minus strand). VCF-style: chr6-109446170-A-C. GRCh37 (hg19) VCF-style: chr6-109767373-A-C.
Other names: c.2289T>G, p.Phe763Leu (NM_001159291.2); c.2604T>G, p.Phe868Leu (NM_001286613.2); short protein forms F849L, F763L, F868L.
Identifiers: ClinVar variation 2984948 (VCV002984948.3), dbSNP rs752743666, ClinGen allele CA3952862.
Genomic context (GRCh38, chr6:109,446,170, plus strand): 5'-TCAGCACATCTGTGAGGATGGGTTACCTTGAGGGCTCTGGACTGGCAGGCCCCAGCCCAC[A>C]AAGCTGCTCTCCAGGGCGTGGCGGGCCAAGGCGGAGCAGCTGCGGGGAGGCTTGGGTGGA-3'
Protein context (NP_073602.3, residues 839-859): ALARHALESS[Phe849Leu]VGWGLPVQSP